The following is an entry in ClinVar:

NM_014781.5(RB1CC1):c.3581A>G (p.Lys1194Arg)

Gene: RB1CC1 (RB1 inducible coiled-coil 1; minus strand). Cytogenetic location: 8q11.23.
Variant type: single nucleotide variant.
Coding change: c.3581A>G on transcript NM_014781.5 (MANE Select); coding-DNA position 3581, A replaced by G.
Protein change: p.Lys1194Arg; replaces lysine 1194 with arginine.
Molecular consequence: missense variant.
Genome position (GRCh38, 1-based): chr8:52,656,248, T>C on the plus strand (A>G on the coding strand, the complement: RB1CC1 is on the minus strand). VCF-style: chr8-52656248-T-C. GRCh37 (hg19) VCF-style: chr8-53568808-T-C.
Other names: c.3581A>G, p.Lys1194Arg (NM_001083617.2); short protein forms K1194R.
Identifiers: ClinVar variation 4881458 (VCV004881458.2).

ClinVar aggregate classification (germline): Uncertain significance (1 of 4 stars; one submission).

gnomAD v4.1: 1 of 1,613,288 alleles (0.000062%); highest among the groups gnomAD compares: Non-Finnish European, 0.000085%; no homozygotes.

Submission:

Dasa
Classification: Uncertain significance. Last evaluated: 2024-12-16. Review status: criteria provided, single submitter. Criteria: DASA Assertion Criteria. Collection method: clinical testing. Allele origin: germline.
Comment: NM_014781.5(RB1CC1):c.3581A>G (p.Lys1194Arg) is a missense variant that results in the substitution of lysine with arginine. This variant is rare in population databases. Computational prediction algorithms are consistent with a benign effect. The currently available literature and clinical evidence are not sufficient to establish a definitive association between this variant and the reported condition. Therefore, this variant is classified as a variant of uncertain significance.